The following is an entry in ClinVar:

NM_001040716.2(PC):c.2754C>T (p.Ala918=)

Gene: PC (pyruvate carboxylase; minus strand). Cytogenetic location: 11q13.2.
Variant type: single nucleotide variant.
Coding change: c.2754C>T on transcript NM_001040716.2 (MANE Select); coding-DNA position 2754, C replaced by T.
Protein change: p.Ala918=; no amino-acid change (alanine 918 retained).
Molecular consequence: synonymous variant.
Genome position (GRCh38, 1-based): chr11:66,850,081, G>A on the plus strand (C>T on the coding strand, the complement: PC is on the minus strand). VCF-style: chr11-66850081-G-A. GRCh37 (hg19) VCF-style: chr11-66617552-G-A.
Other names: c.2754C>T, p.Ala918= (NM_000920.4, NM_022172.3).
Identifiers: ClinVar variation 1151080 (VCV001151080.10), dbSNP rs534275006, ClinGen allele CA6130979.

ClinVar aggregate classification (germline): Conflicting classifications of pathogenicity. Review status: criteria provided, conflicting classifications (1 of 4 stars). 2 submissions from 2 submitters: Uncertain significance (1); Likely benign (1). Last evaluated 2024-11-28.

Conditions:
Pyruvate carboxylase deficiency. Also called: ATAXIA WITH LACTIC ACIDOSIS II; Pyruvate Carboxylase Deficiency Disease; LEIGH NECROTIZING ENCEPHALOPATHY DUE TO PYRUVATE CARBOXYLASE DEFICIENCY; LEIGH SYNDROME DUE TO PYRUVATE CARBOXYLASE DEFICIENCY; PC DEFICIENCY. Identifiers: Orphanet 3008, MedGen C0034341, MONDO:0009949, OMIM 266150.

Allele frequency attached by ClinVar (database versions not stated): gnomAD 0.00001 and 0.00003; TOPMed 0.00002; gnomAD exomes 0.00003 and 0.00007; ExAC 0.00008; 1000 Genomes Project 0.00040; 1000 Genomes Project 30x 0.00047.
gnomAD v4.1: 51 of 1,613,694 alleles (0.0032%); highest among the groups gnomAD compares: South Asian, 0.048%; no homozygotes.

Submissions (2):

Labcorp Genetics (formerly Invitae), Labcorp
Classification: Likely benign for Pyruvate carboxylase deficiency. Last evaluated: 2024-11-28. Review status: criteria provided, single submitter. Criteria: Invitae Variant Classification Sherloc (09022015). Collection method: clinical testing. Allele origin: germline.

GeneDx
Classification: Uncertain significance. Last evaluated: 2023-01-09. Review status: criteria provided, single submitter. Criteria: GeneDx Variant Classification Process June 2021. Collection method: clinical testing. Allele origin: germline. Affected: yes.
Comment: In silico analysis supports that this variant does not alter splicing; Has not been previously published as pathogenic or benign to our knowledge